The following is an entry in ClinVar:

NM_000051.4(ATM):c.5572T>C (p.Trp1858Arg)

Gene: ATM (ATM serine/threonine kinase; plus strand). Cytogenetic location: 11q22.3.
Variant type: single nucleotide variant.
Coding change: c.5572T>C on transcript NM_000051.4 (MANE Select); coding-DNA position 5572, T replaced by C.
Protein change: p.Trp1858Arg; replaces tryptophan 1858 with arginine.
Molecular consequence: missense variant.
Genome position (GRCh38, 1-based): chr11:108,304,750, T>C. VCF-style: chr11-108304750-T-C. GRCh37 (hg19) VCF-style: chr11-108175477-T-C.
Other names: c.5572T>C, p.Trp1858Arg (NM_001351834.2); short protein forms W1858R.
Identifiers: ClinVar variation 920900 (VCV000920900.8), dbSNP rs2083597320, ClinGen allele CA382546086.
Genomic context (GRCh38, chr11:108,304,750, plus strand): 5'-TGTCAGACTGTACTTCCATACTTGATTCATGATATTTTACTCCAAGATACAAATGAATCA[T>C]GGAGAAATCTGCTTTCTACACATGTTCAGGGATTTTTCACCAGCTGTCTTCGACACTTCT-3'
Protein context (NP_000042.3, residues 1848-1868): DILLQDTNES[Trp1858Arg]RNLLSTHVQG

ClinVar aggregate classification (germline): Uncertain significance. Review status: criteria provided, multiple submitters, no conflicts (2 of 4 stars). 2 submissions from 2 submitters: Uncertain significance (2). Last evaluated 2024-12-12.

Conditions:
Hereditary cancer-predisposing syndrome. Also called: Hereditary Cancer Syndrome; Hereditary neoplastic syndrome; Neoplastic Syndromes, Hereditary; Tumor predisposition. Identifiers: Orphanet 140162, MedGen C0027672, MeSH D009386, MONDO:0015356.
Ataxia-telangiectasia syndrome (AT). Also called: Ataxia-telangiectasia, complementation group E; LOUIS-BAR SYNDROME; Cerebello-oculocutaneous telangiectasia; Immunodeficiency with ataxia telangiectasia; Ataxia-telangiectasia, complementation group D; AT, COMPLEMENTATION GROUP C. Identifiers: Orphanet 100, MedGen C0004135, MONDO:0008840, OMIM 208900.

Submissions (2):

Labcorp Genetics (formerly Invitae), Labcorp
Classification: Uncertain significance for Ataxia-telangiectasia syndrome. Last evaluated: 2024-12-12. Review status: criteria provided, single submitter. Criteria: Invitae Variant Classification Sherloc (09022015). Collection method: clinical testing. Allele origin: germline.
Comment: This sequence change replaces tryptophan, which is neutral and slightly polar, with arginine, which is basic and polar, at codon 1858 of the ATM protein (p.Trp1858Arg). This variant is not present in population databases (gnomAD no frequency). This variant has not been reported in the literature in individuals affected with ATM-related conditions. ClinVar contains an entry for this variant (Variation ID: 920900). Invitae Evidence Modeling of protein sequence and biophysical properties (such as structural, functional, and spatial information, amino acid conservation, physicochemical variation, residue mobility, and thermodynamic stability) indicates that this missense variant is not expected to disrupt ATM protein function with a negative predictive value of 95%. In summary, the available evidence is currently insufficient to determine the role of this variant in disease. Therefore, it has been classified as a Variant of Uncertain Significance.

Color Diagnostics, LLC DBA Color Health
Classification: Uncertain significance for Hereditary cancer-predisposing syndrome. Last evaluated: 2019-11-07. Review status: criteria provided, single submitter. Criteria: ACMG Guidelines, 2015. Collection method: clinical testing. Allele origin: germline.
Comment: This missense variant replaces tryptophan with arginine at codon 1858 of the ATM protein. Computational prediction tool is inconclusive regarding the impact of this variant on protein structure and function (internally defined REVEL score threshold 0.5 < inconclusive < 0.7, PMID: 27666373). Splice site prediction tools suggest that this variant may not impact RNA splicing. To our knowledge, functional studies have not been performed for this variant. This variant has been reported in an individual affected with chronic lymphocytic leukemia (PMID: 25480502). This variant has not been identified in the general population by the Genome Aggregation Database (gnomAD). The available evidence is insufficient to determine the role of this variant in disease conclusively. Therefore, this variant is classified as a Variant of Uncertain Significance.